The following is an entry in ClinVar:

NM_001363118.2(SLC52A2):c.1064C>A (p.Ala355Glu)

Gene: SLC52A2 (solute carrier family 52 member 2; plus strand). Cytogenetic location: 8q24.3.
Variant type: single nucleotide variant.
Coding change: c.1064C>A on transcript NM_001363118.2 (MANE Select); coding-DNA position 1064, C replaced by A.
Protein change: p.Ala355Glu; replaces alanine 355 with glutamic acid.
Molecular consequence: missense variant. On other transcripts: non-coding transcript variant (1).
Genome position (GRCh38, 1-based): chr8:144,360,652, C>A. VCF-style: chr8-144360652-C-A. GRCh37 (hg19) VCF-style: chr8-145584312-C-A.
Other names: c.1064C>A, p.Ala355Glu (NM_001253815.2, NM_001253816.2, NM_001363120.2 and 2 more transcripts); c.572C>A, p.Ala191Glu (NM_001363122.2); short protein forms A355E, A191E.
Identifiers: ClinVar variation 645437 (VCV000645437.4), dbSNP rs1173664250, ClinGen allele CA4938362.

ClinVar aggregate classification (germline): Uncertain significance (1 of 4 stars; one submission).

Conditions:
Brown-Vialetto-van Laere syndrome 2. Also called: SPINOCEREBELLAR ATAXIA WITH BLINDNESS AND DEAFNESS 2; Riboflavin transporter deficiency type 2. Identifiers: Orphanet 572543, Orphanet 97229, MedGen C3553538, MONDO:0013867, OMIM 614707.

Allele frequency attached by ClinVar (database versions not stated): TOPMed 0.00006; gnomAD 0.00006.

Submission:

Labcorp Genetics (formerly Invitae), Labcorp
Classification: Uncertain significance for Brown-Vialetto-van Laere syndrome 2. Last evaluated: 2025-01-06. Review status: criteria provided, single submitter. Criteria: Invitae Variant Classification Sherloc (09022015). Collection method: clinical testing. Allele origin: germline.
Comment: This sequence change replaces alanine, which is neutral and non-polar, with glutamic acid, which is acidic and polar, at codon 355 of the SLC52A2 protein (p.Ala355Glu). This variant is present in population databases (no rsID available, gnomAD 0.05%). This variant has not been reported in the literature in individuals affected with SLC52A2-related conditions. ClinVar contains an entry for this variant (Variation ID: 645437). Invitae Evidence Modeling of protein sequence and biophysical properties (such as structural, functional, and spatial information, amino acid conservation, physicochemical variation, residue mobility, and thermodynamic stability) has been performed for this missense variant. However, the output from this modeling did not meet the statistical confidence thresholds required to predict the impact of this variant on SLC52A2 protein function. In summary, the available evidence is currently insufficient to determine the role of this variant in disease. Therefore, it has been classified as a Variant of Uncertain Significance.